The following is an entry in ClinVar:

ClinVar aggregate classification (germline): Likely benign (1 of 4 stars; one submission).

Allele frequency attached by ClinVar (database versions not stated): TOPMed 0.00012; gnomAD 0.00015; ExAC 0.00022; 1000 Genomes Project 0.00026; 1000 Genomes Project 30x 0.00042.
gnomAD v4.1: 214 of 1,187,538 alleles (0.018%); highest among the groups gnomAD compares: Middle Eastern, 0.38%; 1 homozygote.

Submission:

CeGaT Center for Human Genetics Tuebingen
Classification: Likely benign. Last evaluated: 2022-12-01. Review status: criteria provided, single submitter. Criteria: CeGaT Center For Human Genetics Tuebingen Variant Classification Criteria Version 2. Collection method: clinical testing. Allele origin: germline. Affected: yes. Observed: 1 variant allele.
Comment: SSX5: BS2

NM_175723.2(SSX5):c.281-65T>A

Gene: SSX5 (SSX family member 5; minus strand). Cytogenetic location: Xp11.23.
Variant type: single nucleotide variant.
Coding change: c.281-65T>A on transcript NM_175723.2 (MANE Select); 65 bases into the intron before coding-DNA position 281, T replaced by A.
Molecular consequence: intron variant.
Genome position (GRCh38, 1-based): chrX:48,192,346, A>T on the plus strand (T>A on the coding strand, the complement: SSX5 is on the minus strand). VCF-style: chrX-48192346-A-T. GRCh37 (hg19) VCF-style: chrX-48051782-A-T.
Other names: c.404-65T>A (NM_021015.4).
Identifiers: ClinVar variation 2660442 (VCV002660442.24), dbSNP rs782211865, ClinGen allele CA10400912.